The following is an entry in ClinVar:

NM_006341.4(MAD2L2):c.295G>A (p.Val99Ile)

Gene: MAD2L2 (mitotic arrest deficient 2 like 2; minus strand). Cytogenetic location: 1p36.22.
Variant type: single nucleotide variant.
Coding change: c.295G>A on transcript NM_006341.4 (MANE Select); coding-DNA position 295, G replaced by A.
Protein change: p.Val99Ile; replaces valine 99 with isoleucine.
Molecular consequence: missense variant.
Genome position (GRCh38, 1-based): chr1:11,676,885, C>T on the plus strand (G>A on the coding strand, the complement: MAD2L2 is on the minus strand). VCF-style: chr1-11676885-C-T. GRCh37 (hg19) VCF-style: chr1-11736942-C-T.
Other names: c.295G>A, p.Val99Ile (NM_001127325.2); short protein forms V99I.
Identifiers: ClinVar variation 4759796 (VCV004759796.1).

ClinVar aggregate classification (germline): Uncertain significance (1 of 4 stars; one submission).

gnomAD v4.1: 21 of 1,614,134 alleles (0.0013%); highest among the groups gnomAD compares: Middle Eastern, 0.033%; no homozygotes.

Submission:

Labcorp Genetics (formerly Invitae), Labcorp
Classification: Uncertain significance. Last evaluated: 2025-05-27. Review status: criteria provided, single submitter. Criteria: Invitae Variant Classification Sherloc (09022015). Collection method: clinical testing. Allele origin: germline.
Comment: This sequence change replaces valine, which is neutral and non-polar, with isoleucine, which is neutral and non-polar, at codon 99 of the MAD2L2 protein (p.Val99Ile). This variant is present in population databases (rs766730327, gnomAD 0.003%). This variant has not been reported in the literature in individuals affected with MAD2L2-related conditions. An algorithm developed to predict the effect of missense changes on protein structure and function (PolyPhen-2) suggests that this variant is likely to be tolerated. In summary, the available evidence is currently insufficient to determine the role of this variant in disease. Therefore, it has been classified as a Variant of Uncertain Significance.